The following is an entry in ClinVar:

NM_007294.4(BRCA1):c.4456A>G (p.Ser1486Gly)

Gene: BRCA1 (BRCA1 DNA repair associated; minus strand). Cytogenetic location: 17q21.31.
Variant type: single nucleotide variant.
Coding change: c.4456A>G on transcript NM_007294.4 (MANE Select); coding-DNA position 4456, A replaced by G.
Protein change: p.Ser1486Gly; replaces serine 1486 with glycine.
Molecular consequence: missense variant. On other transcripts: intron variant (3).
Genome position (GRCh38, 1-based): chr17:43,076,516, T>C on the plus strand (A>G on the coding strand, the complement: BRCA1 is on the minus strand). VCF-style: chr17-43076516-T-C. GRCh37 (hg19) VCF-style: chr17-41228533-T-C.
Other names: c.4453A>G, p.Ser1485Gly (NM_001407624.1, NM_001407625.1, NM_001407626.1 and 17 more transcripts); c.4450A>G, p.Ser1484Gly (NM_001407627.1, NM_001407628.1, NM_001407629.1 and 14 more transcripts); c.4123A>G, p.Ser1375Gly (NM_001407946.1, NM_001407947.1, NM_001407948.1 and 1 more transcripts); c.4117A>G, p.Ser1373Gly (NM_001407956.1, NM_001407957.1, NM_001407958.1); c.4120A>G, p.Ser1374Gly (NM_001407950.1, NM_001407951.1, NM_001407955.1 and 3 more transcripts); c.4072A>G, p.Ser1358Gly (NM_001407962.1, NM_001407960.1); c.4069A>G, p.Ser1357Gly (NM_001407963.1); c.3949A>G, p.Ser1317Gly (NM_001407965.1); and 71 more; short protein forms S1189G, S1190G, S1317G, S1357G, S1358G, S1359G, S1373G, S1374G.
Identifiers: ClinVar variation 3256349 (VCV003256349.3).

ClinVar aggregate classification (germline): Conflicting classifications of pathogenicity. Review status: criteria provided, conflicting classifications (1 of 4 stars). 2 submissions from 2 submitters: Uncertain significance (1); Likely benign (1). Last evaluated 2025-03-04.

Conditions:
Hereditary cancer-predisposing syndrome. Also called: Hereditary Cancer Syndrome; Tumor predisposition; Hereditary neoplastic syndrome; Neoplastic Syndromes, Hereditary. Identifiers: Orphanet 140162, MedGen C0027672, MeSH D009386, MONDO:0015356.

Submissions (2):

Center for Genomic Medicine, Rigshospitalet, Copenhagen University Hospital
Classification: Likely benign. Last evaluated: 2025-03-04. Review status: criteria provided, single submitter. Criteria: ACMG Guidelines, 2015. Collection method: clinical testing. Allele origin: germline.

Ambry Genetics
Classification: Uncertain significance for Hereditary cancer-predisposing syndrome. Last evaluated: 2024-04-25. Review status: criteria provided, single submitter. Criteria: Ambry Variant Classification Scheme 2023. Collection method: clinical testing. Allele origin: germline.
Comment: The p.S1486G variant (also known as c.4456A>G), located in coding exon 12 of the BRCA1 gene, results from an A to G substitution at nucleotide position 4456. The serine at codon 1486 is replaced by glycine, an amino acid with similar properties. This alteration was not observed in 7051 unselected female breast cancer patients and was observed in 1/11241 female controls of Japanese ancestry (Momozawa Y et al. Nat Commun, 2018 Oct;9:4083). This amino acid position is not well conserved in available vertebrate species. In addition, this alteration is predicted to be tolerated by in silico analysis. Based on the available evidence, the clinical significance of this variant remains unclear.

Literature cited by the submitters: PubMed 30287823 (cited by Ambry Genetics).